The following is an entry in ClinVar:

NM_003072.5(SMARCA4):c.2670C>G (p.His890Gln)

Gene: SMARCA4 (SWI/SNF related BAF chromatin remodeling complex subunit ATPase 4; plus strand). Cytogenetic location: 19p13.2.
Variant type: single nucleotide variant.
Coding change: c.2670C>G on transcript NM_003072.5 (MANE Select); coding-DNA position 2670, C replaced by G.
Protein change: p.His890Gln; replaces histidine 890 with glutamine.
Molecular consequence: missense variant. On other transcripts: non-coding transcript variant (1).
Genome position (GRCh38, 1-based): chr19:11,021,778, C>G. VCF-style: chr19-11021778-C-G. GRCh37 (hg19) VCF-style: chr19-11132454-C-G.
Other names: c.2670C>G, p.His890Gln (NM_001128844.3, NM_001128845.2, NM_001128846.2 and 6 more transcripts); short protein forms H890Q.
Identifiers: ClinVar variation 2071953 (VCV002071953.4), dbSNP rs2146416853, ClinGen allele CA404055912.
Genomic context (GRCh38, chr19:11,021,778, plus strand): 5'-CCCGCAGATCCGTTGGAAGTACATGATTGTGGACGAAGGTCACCGCATGAAGAACCACCA[C>G]TGCAAGCTGACGCAGGTGCTCAACACGCACTATGTGGCACCCCGCCGCCTGCTGCTGACG-3'
Protein context (NP_003063.2, residues 880-900): VDEGHRMKNH[His890Gln]CKLTQVLNTH

ClinVar aggregate classification (germline): Uncertain significance (1 of 4 stars; one submission).

Conditions:
Rhabdoid tumor predisposition syndrome 2 (RTPS2). Identifiers: Orphanet 231108, Orphanet 69077, MedGen C2750074, MONDO:0013224, OMIM 613325.

Submission:

Labcorp Genetics (formerly Invitae), Labcorp
Classification: Uncertain significance for Rhabdoid tumor predisposition syndrome 2. Last evaluated: 2022-01-03. Review status: criteria provided, single submitter. Criteria: Invitae Variant Classification Sherloc (09022015). Collection method: clinical testing. Allele origin: germline.
Comment: This variant has not been reported in the literature in individuals affected with SMARCA4-related conditions. In summary, the available evidence is currently insufficient to determine the role of this variant in disease. Therefore, it has been classified as a Variant of Uncertain Significance. Algorithms developed to predict the effect of missense changes on protein structure and function are either unavailable or do not agree on the potential impact of this missense change (SIFT: "Deleterious"; PolyPhen-2: "Possibly Damaging"; Align-GVGD: "Class C15"). This variant is not present in population databases (gnomAD no frequency). This sequence change replaces histidine, which is basic and polar, with glutamine, which is neutral and polar, at codon 890 of the SMARCA4 protein (p.His890Gln).